The following is an entry in ClinVar:

NM_004341.5(CAD):c.5727G>C (p.Leu1909Phe)

Gene: CAD (carbamoyl-phosphate synthetase 2, aspartate transcarbamylase, and dihydroorotase; plus strand). Cytogenetic location: 2p23.3.
Variant type: single nucleotide variant.
Coding change: c.5727G>C on transcript NM_004341.5 (MANE Select); coding-DNA position 5727, G replaced by C.
Protein change: p.Leu1909Phe; replaces leucine 1909 with phenylalanine.
Molecular consequence: missense variant.
Genome position (GRCh38, 1-based): chr2:27,241,146, G>C. VCF-style: chr2-27241146-G-C. GRCh37 (hg19) VCF-style: chr2-27464014-G-C.
Other names: c.5538G>C, p.Leu1846Phe (NM_001306079.2); short protein forms L1909F, L1846F.
Identifiers: ClinVar variation 1486261 (VCV001486261.8), dbSNP rs376383154, ClinGen allele CA346223475.
Genomic context (GRCh38, chr2:27,241,146, plus strand): 5'-CTACCCTCCACCACCAGTACCGAGACAGGCATCTCCCCAGAACCTGGGGACCCCTGGCTT[G>C]CTGCACCCCCAGACCTCACCCCTGCTGCACTCATTAGTGGGCCAACATATCCTGTCCGTC-3'
Protein context (NP_004332.2, residues 1899-1919): ASPQNLGTPG[Leu1909Phe]LHPQTSPLLH

ClinVar aggregate classification (germline): Uncertain significance (1 of 4 stars; one submission).

Submission:

Labcorp Genetics (formerly Invitae), Labcorp
Classification: Uncertain significance. Last evaluated: 2021-04-09. Review status: criteria provided, single submitter. Criteria: Invitae Variant Classification Sherloc (09022015). Collection method: clinical testing. Allele origin: germline.
Comment: In summary, the available evidence is currently insufficient to determine the role of this variant in disease. Therefore, it has been classified as a Variant of Uncertain Significance. Algorithms developed to predict the effect of missense changes on protein structure and function (SIFT, PolyPhen-2, Align-GVGD) all suggest that this variant is likely to be tolerated, but these predictions have not been confirmed by published functional studies and their clinical significance is uncertain. This variant has not been reported in the literature in individuals with CAD-related conditions. This variant is not present in population databases (ExAC no frequency). This sequence change replaces leucine with phenylalanine at codon 1909 of the CAD protein (p.Leu1909Phe). The leucine residue is weakly conserved and there is a small physicochemical difference between leucine and phenylalanine.